The following is an entry in ClinVar:

NM_206933.4(USH2A):c.9304C>T (p.Gln3102Ter)

Gene: USH2A (usherin; minus strand). Cytogenetic location: 1q41.
Variant type: single nucleotide variant.
Coding change: c.9304C>T on transcript NM_206933.4 (MANE Select); coding-DNA position 9304, C replaced by T.
Protein change: p.Gln3102Ter; replaces glutamine 3102 with a stop codon.
Molecular consequence: nonsense.
Genome position (GRCh38, 1-based): chr1:215,838,058, G>A on the plus strand (C>T on the coding strand, the complement: USH2A is on the minus strand). VCF-style: chr1-215838058-G-A. GRCh37 (hg19) VCF-style: chr1-216011400-G-A.
Other names: short protein forms Q3102*.
Identifiers: ClinVar variation 48621 (VCV000048621.18), dbSNP rs397518046, ClinGen allele CA262128.
Genomic context (GRCh38, chr1:215,838,058, plus strand): 5'-TGATGCCACGAATTGTGGGTGTTGGTATATCACTTGGAGTGTCTTCCACAGTGGTAATTT[G>A]GGTTCCATTGCTTTTCACGCAGGCATATATTGTGCAGACTTCAACCTGCAAACATTAGTT-3'

ClinVar aggregate classification (germline): Pathogenic. Review status: criteria provided, multiple submitters, no conflicts (2 of 4 stars). 7 submissions from 7 submitters: Pathogenic (6). 1 of the submissions does not count toward it. Last evaluated 2026-08-06.

Conditions:
Rare genetic deafness. Identifiers: Orphanet 96210, MedGen C5680250.
USH2A-related disorder. Also called: USH2A-related condition; USH2A-related disorders. Identifiers: MedGen CN239332.
Retinitis pigmentosa 39 (RP39). Identifiers: Orphanet 791, MedGen C3151138, MONDO:0013436, OMIM 613809.
Usher syndrome type 2A. Also called: RETINAL DISEASE IN USHER SYNDROME TYPE IIA, MODIFIER OF; USHER SYNDROME, TYPE IIA. Identifiers: Orphanet 231178, Orphanet 886, MedGen C1848634, MONDO:0010169, OMIM 276901.

Allele frequency attached by ClinVar (database versions not stated): gnomAD 0.00001; gnomAD exomes below 0.00001; TOPMed below 0.00001.
gnomAD v4.1: 4 of 1,613,822 alleles (0.00025%); highest among the groups gnomAD compares: Admixed American, 0.0017%; no homozygotes.

Submissions (7):

OLLIN Analises Genomicas, OLLIN
Classification: Pathogenic for Retinitis pigmentosa 39. Last evaluated: 2026-08-06. Review status: criteria provided, single submitter. Criteria: ACMG Guidelines 2015 PMID 25741868. Collection method: clinical testing. Allele origin: germline. Inheritance: Autosomal recessive inheritance.
Comment: This nonsense variant, located in exon 47 (of 72), has been reported in ClinVar (accession VCV000048621.16), in gnomAD with an allele frequency of 0.00025%, and in the scientific literature, in compound heterozygosity, in individuals with USH2A related disorders (PMID: 32483926). This variant introduces a premature stop codon, which is predicted to result in either a truncated protein or degradation of the mRNA via nonsense-mediated decay (NMD). According to the currently available evidence, this variant has been classified as pathogenic (PVS1, PM2_P, PM3_S).

Natera, Inc.
Classification: Pathogenic for Usher syndrome type 2A. Last evaluated: 2024-09-03. Review status: criteria provided, single submitter. Criteria: Natera Variant Classification Schema (03/2026). Collection method: clinical testing. Allele origin: germline.
Comment: The c.9304C>T variant in USH2A is a nonsense variant predicted to introduce a stop codon at amino acid 3102. This variant is expected to result in nonsense mediated decay, truncation, or a dysfunctional protein product. This variant is rare in the general population with a frequency below the threshold expected for the associated phenotype(s). This variant has been observed in one or more individuals affected with the associated recessive disease, as either homozygous or compound heterozygous with a second variant (PMID: 38224868, 34948090, 32483926, 30902645). Given the available evidence, this variant is classified as Pathogenic.

Blueprint Genetics
Classification: Pathogenic for USH2A-related disorders. Last evaluated: 2024-02-29. Review status: criteria provided, single submitter. Criteria: ACMG Guidelines, 2015. Collection method: clinical testing. Allele origin: germline. Affected: yes. Observed: 1 variant allele.

Genome-Nilou Lab
Classification: Pathogenic for Retinitis pigmentosa 39. Last evaluated: 2023-11-04. Review status: criteria provided, single submitter. Criteria: ACMG Guidelines, 2015. Collection method: clinical testing. Allele origin: germline. Affected: no.

Labcorp Genetics (formerly Invitae), Labcorp
Classification: Pathogenic. Last evaluated: 2023-01-14. Review status: criteria provided, single submitter. Criteria: Invitae Variant Classification Sherloc (09022015). Collection method: clinical testing. Allele origin: germline.
Comment: For these reasons, this variant has been classified as Pathogenic. ClinVar contains an entry for this variant (Variation ID: 48621). This variant has not been reported in the literature in individuals affected with USH2A-related conditions. This variant is present in population databases (rs397518046, gnomAD 0.003%). This sequence change creates a premature translational stop signal (p.Gln3102*) in the USH2A gene. It is expected to result in an absent or disrupted protein product. Loss-of-function variants in USH2A are known to be pathogenic (PMID: 10729113, 10909849, 20507924, 25649381).

DBGen Ocular Genomics
Classification: Pathogenic for Retinitis pigmentosa 39. Last evaluated: 2021-06-23. Review status: criteria provided, single submitter. Criteria: ACMG Guidelines, 2015. Collection method: clinical testing. Allele origin: germline. Affected: yes. Observed: 1 variant allele.

Laboratory for Molecular Medicine, Mass General Brigham Personalized Medicine
Classification: Pathogenic for Rare genetic deafness. Last evaluated: 2013-03-11. Review status: no assertion criteria provided. Collection method: clinical testing. Allele origin: germline. Inheritance: Autosomal recessive inheritance. Observed: 2 variant alleles. Not counted in ClinVar's aggregate classification.
Comment: The Gln3102X variant in USH2A has not been reported in the literature nor previo usly identified by our laboratory. This nonsense variant leads to a premature te rmination codon at position 3102, which is predicted to lead to a truncated or a bsent protein. In summary, this variant meets our criteria to be classified as p athogenic.

Literature cited by the submitters: PubMed 32483926 (cited by OLLIN Analises Genomicas, OLLIN and Natera, Inc.); PubMed 38224868 (cited by Natera, Inc.); PubMed 34948090 (cited by Natera, Inc.); PubMed 30902645 (cited by Natera, Inc.); PubMed 10729113 (cited by Labcorp Genetics (formerly Invitae), Labcorp); PubMed 10909849 (cited by Labcorp Genetics (formerly Invitae), Labcorp); PubMed 20507924 (cited by Labcorp Genetics (formerly Invitae), Labcorp); PubMed 25649381 (cited by Labcorp Genetics (formerly Invitae), Labcorp).